The following is an entry in ClinVar:

ClinVar aggregate classification (germline): Uncertain significance (1 of 4 stars; one submission).

gnomAD v4.1: 3 of 1,613,996 alleles (0.00019%); highest among the groups gnomAD compares: Non-Finnish European, 0.00017%; no homozygotes.

Submission:

GeneDx
Classification: Uncertain significance. Last evaluated: 2024-05-14. Review status: criteria provided, single submitter. Criteria: GeneDx Variant Classification Process June 2021. Collection method: clinical testing. Allele origin: germline. Affected: yes.
Comment: Not observed at significant frequency in large population cohorts (gnomAD); In silico analysis supports that this missense variant has a deleterious effect on protein structure/function; Has not been previously published as pathogenic or benign to our knowledge

NM_007118.4(TRIO):c.9218G>A (p.Arg3073His)

Gene: TRIO (trio Rho guanine nucleotide exchange factor; plus strand). Cytogenetic location: 5p15.2.
Variant type: single nucleotide variant.
Coding change: c.9218G>A on transcript NM_007118.4 (MANE Select); coding-DNA position 9218, G replaced by A.
Protein change: p.Arg3073His; replaces arginine 3073 with histidine.
Molecular consequence: missense variant. On other transcripts: non-coding transcript variant (1).
Genome position (GRCh38, 1-based): chr5:14,508,346, G>A. VCF-style: chr5-14508346-G-A. GRCh37 (hg19) VCF-style: chr5-14508455-G-A.
Other names: short protein forms R3073H.
Identifiers: ClinVar variation 3381496 (VCV003381496.1).